The following is an entry in ClinVar:

ClinVar aggregate classification (germline): Uncertain significance (1 of 4 stars; one submission).

Conditions:
Primary ciliary dyskinesia. Also called: Ciliary dyskinesia. Identifiers: Orphanet 244, MedGen C0008780, MONDO:0016575, HP:0012265.

Submission:

Labcorp Genetics (formerly Invitae), Labcorp
Classification: Uncertain significance for Primary ciliary dyskinesia. Last evaluated: 2019-12-05. Review status: criteria provided, single submitter. Criteria: Invitae Variant Classification Sherloc (09022015). Collection method: clinical testing. Allele origin: germline.
Comment: This sequence change affects codon 4536 of the DNAH8 mRNA. It is a 'silent' change, meaning that it does not change the encoded amino acid sequence of the DNAH8 protein. This variant is not present in population databases (ExAC no frequency). This variant has not been reported in the literature in individuals with DNAH8-related conditions. Algorithms developed to predict the effect of sequence changes on RNA splicing suggest that this variant may create or strengthen a splice site, but this prediction has not been confirmed by published transcriptional studies. In summary, the available evidence is currently insufficient to determine the role of this variant in disease. Therefore, it has been classified as a Variant of Uncertain Significance.

NM_001206927.2(DNAH8):c.13608G>A (p.Leu4536=)

Gene: DNAH8 (dynein axonemal heavy chain 8; plus strand). Cytogenetic location: 6p21.2.
Variant type: single nucleotide variant.
Coding change: c.13608G>A on transcript NM_001206927.2 (MANE Select); coding-DNA position 13608, G replaced by A.
Protein change: p.Leu4536=; no amino-acid change (leucine 4536 retained).
Molecular consequence: synonymous variant.
Genome position (GRCh38, 1-based): chr6:39,012,531, G>A. VCF-style: chr6-39012531-G-A. GRCh37 (hg19) VCF-style: chr6-38980307-G-A.
Other names: c.12957G>A, p.Leu4319= (NM_001371.4).
Identifiers: ClinVar variation 864237 (VCV000864237.1), dbSNP rs1766286962, ClinGen allele CA450134818.